The following is an entry in ClinVar:

ClinVar aggregate classification (germline): Uncertain significance. Review status: criteria provided, multiple submitters, no conflicts (2 of 4 stars). 3 submissions from 3 submitters: Uncertain significance (3). Last evaluated 2024-09-30.

Allele frequency attached by ClinVar (database versions not stated): ESP Exome Variant Server 0.00016; gnomAD 0.00020 and 0.00021; gnomAD exomes 0.00023; ExAC 0.00024.

Submissions (6):

Blueprint Genetics
Classification: Uncertain significance. Last evaluated: 2024-09-30. Review status: criteria provided, single submitter. Criteria: ACMG Guidelines, 2015. Collection method: clinical testing. Allele origin: germline.

Ambry Genetics
Classification: Uncertain significance. Last evaluated: 2024-04-04. Review status: criteria provided, single submitter. Criteria: Ambry Variant Classification Scheme 2023. Collection method: clinical testing. Allele origin: germline.

Labcorp Genetics (formerly Invitae), Labcorp
Classification: Uncertain significance. Last evaluated: 2023-10-13. Review status: criteria provided, single submitter. Criteria: Invitae Variant Classification Sherloc (09022015). Collection method: clinical testing. Allele origin: germline.
Comment: This sequence change replaces tyrosine, which is neutral and polar, with phenylalanine, which is neutral and non-polar, at codon 137 of the SLC39A7 protein (p.Tyr137Phe). This variant is present in population databases (rs201645740, gnomAD 0.1%). This variant has not been reported in the literature in individuals affected with SLC39A7-related conditions. ClinVar contains an entry for this variant (Variation ID: 1436955). An algorithm developed to predict the effect of missense changes on protein structure and function (PolyPhen-2) suggests that this variant¬†is likely to be tolerated. In summary, the available evidence is currently insufficient to determine the role of this variant in disease. Therefore, it has been classified as a Variant of Uncertain Significance.

Dr. Peter K. Rogan Lab, Western University
No classification provided (evidence only). Condition: Melanoma. Review status: no classification provided. Collection method: in vitro. Allele origin: not applicable. Functional consequence: retained intron. Not counted in ClinVar's aggregate classification.

Dr. Peter K. Rogan Lab, Western University
No classification provided (evidence only). Condition: Colon adenocarcinoma. Review status: no classification provided. Collection method: in vitro. Allele origin: not applicable. Functional consequence: retained intron. Not counted in ClinVar's aggregate classification.

Dr. Peter K. Rogan Lab, Western University
No classification provided (evidence only). Condition: Gastric cancer. Review status: no classification provided. Collection method: in vitro. Allele origin: not applicable. Functional consequence: retained intron. Not counted in ClinVar's aggregate classification.

NM_006979.3(SLC39A7):c.410A>T (p.Tyr137Phe)

Gene: SLC39A7 (solute carrier family 39 member 7; plus strand). Cytogenetic location: 6p21.32.
Variant type: single nucleotide variant.
Coding change: c.410A>T on transcript NM_006979.3 (MANE Select); coding-DNA position 410, A replaced by T.
Protein change: p.Tyr137Phe; replaces tyrosine 137 with phenylalanine.
Molecular consequence: missense variant. On other transcripts: intron variant (1).
Genome position (GRCh38, 1-based): chr6:33,201,655, A>T. VCF-style: chr6-33201655-A-T. GRCh37 (hg19) VCF-style: chr6-33169432-A-T.
Other names: c.410A>T (NM_006979.2); c.410A>T, p.Tyr137Phe (NM_001077516.2); c.53-106A>T (NM_001288777.2); short protein forms Y137F.
Identifiers: ClinVar variation 1436955 (VCV001436955.7), dbSNP rs201645740, ClinGen allele CA3752239.